The following is an entry in ClinVar:

NM_000088.4(COL1A1):c.1200+2dup

Gene: COL1A1 (collagen type I alpha 1 chain; minus strand). Cytogenetic location: 17q21.33.
Variant type: Duplication.
Coding change: c.1200+2dup on transcript NM_000088.4 (MANE Select); the canonical splice donor site of the intron after coding-DNA position 1200, one base duplicated (T; older notation c.1200+2dupT).
Molecular consequence: splice donor variant.
Genome position (GRCh38, 1-based): chr17:50,195,432, A duplicated on the plus strand (T on the coding strand, the reverse complement: COL1A1 is on the minus strand). VCF-style (leftmost placement, unchanged base first): chr17-50195431-T-TA. GRCh37 (hg19) VCF-style: chr17-48272792-T-TA.
Other names: c.1200+2dupT (NM_000088.3).
Identifiers: ClinVar variation 456730 (VCV000456730.7), dbSNP rs1555574113, ClinGen allele CA658656714.

ClinVar aggregate classification (germline): Likely pathogenic (1 of 4 stars; one submission).

Conditions:
Osteogenesis imperfecta type I (OI1). Also called: OI, TYPE I; OSTEOGENESIS IMPERFECTA TARDA; OSTEOGENESIS IMPERFECTA WITH BLUE SCLERAE; Osteogenesis imperfecta type 1; Lobstein's Disease; Lobstein disease. Identifiers: Orphanet 216796, Orphanet 666, MedGen C0023931, MONDO:0008146, OMIM 166200. Disease mechanism: loss of function.

Submission:

Labcorp Genetics (formerly Invitae), Labcorp
Classification: Likely pathogenic for Osteogenesis imperfecta type I. Last evaluated: 2022-07-19. Review status: criteria provided, single submitter. Criteria: Invitae Variant Classification Sherloc (09022015). Collection method: clinical testing. Allele origin: germline.
Comment: ClinVar contains an entry for this variant (Variation ID: 456730). This variant has been observed in individual(s) with osteogenesis imperfecta (Invitae). It has also been observed to segregate with disease in related individuals. This variant is not present in population databases (gnomAD no frequency). This sequence change falls in intron 18 of the COL1A1 gene. It does not directly change the encoded amino acid sequence of the COL1A1 protein. It affects a nucleotide within the consensus splice site. Variants that disrupt the consensus splice site are a relatively common cause of aberrant splicing (PMID: 17576681, 9536098). Algorithms developed to predict the effect of sequence changes on RNA splicing suggest that this variant may disrupt the consensus splice site. In summary, the currently available evidence indicates that the variant is pathogenic, but additional data are needed to prove that conclusively. Therefore, this variant has been classified as Likely Pathogenic.

Literature cited by the submitters: PubMed 17576681; PubMed 9536098.